The following is an entry in ClinVar:

ClinVar aggregate classification (germline): Benign/Likely benign. Review status: criteria provided, multiple submitters, no conflicts (2 of 4 stars). 3 submissions from 3 submitters: Benign (2); Likely benign (1). Last evaluated 2018-05-22.

Submissions (3):

Genetic Services Laboratory, University of Chicago
Classification: Likely benign. Last evaluated: 2018-05-22. Review status: criteria provided, single submitter. Criteria: ACMG Guidelines, 2015. Collection method: clinical testing. Allele origin: germline. Affected: no.

Laboratory for Molecular Medicine, Mass General Brigham Personalized Medicine
Classification: Benign. Last evaluated: 2016-03-29. Review status: criteria provided, single submitter. Criteria: LMM Criteria. Collection method: clinical testing. Allele origin: germline.
Comment: Variant identified in a genome or exome case(s) and assessed due to predicted null impact of the variant or pathogenic assertions in the literature or databases. Disclaimer: This variant has not undergone full assessment. The following are preliminary notes: MAF. Not reported. No information available.

Genomic Diagnostic Laboratory, Division of Genomic Diagnostics, Children's Hospital of Philadelphia
Classification: Benign. Last evaluated: 2015-12-21. Review status: criteria provided, single submitter. Criteria: DGD Variant Analysis Guidelines. Collection method: clinical testing. Allele origin: unknown.

NM_024408.4(NOTCH2):c.17_18del (p.Pro6fs)

Gene: NOTCH2 (notch receptor 2; minus strand). Cytogenetic location: 1p12.
Variant type: Deletion.
Coding change: c.17_18del on transcript NM_024408.4 (MANE Select); coding-DNA positions 17 to 18, 2 bases deleted (CC; older notation c.17_18delCC).
Protein change: p.Pro6fs; shifts the reading frame from proline 6.
Molecular consequence: frameshift variant.
Genome position (GRCh38, 1-based): chr1:120,069,389-120,069,390, GG deleted on the plus strand (CC on the coding strand, the reverse complement: NOTCH2 is on the minus strand); deleting any 2 consecutive bases within chr1:120,069,389-120,069,392 gives the same sequence; the c. name uses the placement nearest the transcript's 3' end. VCF-style (leftmost placement, unchanged base first): chr1-120069388-CGG-C. GRCh37 (hg19) VCF-style: chr1-120612002-CGG-C.
Other names: c.17_18delCC (NM_024408.3); c.17_18del, p.Pro6fs (NM_001200001.2); short protein forms P6fs.
Identifiers: ClinVar variation 218795 (VCV000218795.8), dbSNP rs372504208, ClinGen allele CA248875.